The following is an entry in ClinVar:

ClinVar aggregate classification (germline): Uncertain significance (1 of 4 stars; one submission).

Conditions:
Acute myeloid leukemia (AML). Also called: Acute myeloid leukemia, adult; AML adult; Acute non-lymphocytic leukemia; Acute granulocytic leukemia; Leukemia, acute myeloid, somatic; Leukemia, acute myelogenous, somatic. Identifiers: Orphanet 519, MedGen C0023467, MeSH D015470, MONDO:0018874, OMIM 601626, HP:0004808. Disease mechanism: Constitutively activated FLT3.

gnomAD v4.1: 1 of 1,610,348 alleles (0.000062%); highest among the groups gnomAD compares: South Asian, 0.0011%; no homozygotes.

Submission:

Labcorp Genetics (formerly Invitae), Labcorp
Classification: Uncertain significance for Acute myeloid leukemia. Last evaluated: 2025-11-22. Review status: criteria provided, single submitter. Criteria: Invitae Variant Classification Sherloc (09022015). Collection method: clinical testing. Allele origin: germline.
Comment: This sequence change affects codon 339 of the CEBPA mRNA. It is a 'silent' change, meaning that it does not change the encoded amino acid sequence of the CEBPA protein. This variant is not present in population databases (gnomAD no frequency). This variant has not been reported in the literature in individuals affected with CEBPA-related conditions. In summary, the available evidence is currently insufficient to determine the role of this variant in disease. Therefore, it has been classified as a Variant of Uncertain Significance.

NM_004364.5(CEBPA):c.1015C>A (p.Arg339=)

Gene: CEBPA (CCAAT enhancer binding protein alpha; minus strand). Cytogenetic location: 19q13.11.
Variant type: single nucleotide variant.
Coding change: c.1015C>A on transcript NM_004364.5 (MANE Select); coding-DNA position 1015, C replaced by A.
Protein change: p.Arg339=; no amino-acid change (arginine 339 retained).
Molecular consequence: synonymous variant.
Genome position (GRCh38, 1-based): chr19:33,301,400, G>T on the plus strand (C>A on the coding strand, the complement: CEBPA is on the minus strand). VCF-style: chr19-33301400-G-T. GRCh37 (hg19) VCF-style: chr19-33792306-G-T.
Other names: c.658C>A, p.Arg220= (NM_001285829.2); c.1120C>A, p.Arg374= (NM_001287424.2); c.973C>A, p.Arg325= (NM_001287435.2).
Identifiers: ClinVar variation 4779517 (VCV004779517.1).